The following is an entry in ClinVar:

ClinVar aggregate classification (germline): Uncertain significance (1 of 4 stars; one submission).

gnomAD v4.1: 8 of 1,610,696 alleles (0.0005%); highest among the groups gnomAD compares: Admixed American, 0.0017%; no homozygotes.

Submission:

Labcorp Genetics (formerly Invitae), Labcorp
Classification: Uncertain significance. Last evaluated: 2023-05-27. Review status: criteria provided, single submitter. Criteria: Invitae Variant Classification Sherloc (09022015). Collection method: clinical testing. Allele origin: germline.
Comment: In summary, the available evidence is currently insufficient to determine the role of this variant in disease. Therefore, it has been classified as a Variant of Uncertain Significance. Advanced modeling of protein sequence and biophysical properties (such as structural, functional, and spatial information, amino acid conservation, physicochemical variation, residue mobility, and thermodynamic stability) performed at Invitae indicates that this missense variant is not expected to disrupt BRD4 protein function. This variant has not been reported in the literature in individuals affected with BRD4-related conditions. This variant is present in population databases (no rsID available, gnomAD 0.003%). This sequence change replaces methionine, which is neutral and non-polar, with valine, which is neutral and non-polar, at codon 239 of the BRD4 protein (p.Met239Val).

NM_001379291.1(BRD4):c.715A>G (p.Met239Val)

Gene: BRD4 (bromodomain containing 4; minus strand). Cytogenetic location: 19p13.12.
Variant type: single nucleotide variant.
Coding change: c.715A>G on transcript NM_001379291.1 (MANE Select); coding-DNA position 715, A replaced by G.
Protein change: p.Met239Val; replaces methionine 239 with valine.
Molecular consequence: missense variant.
Genome position (GRCh38, 1-based): chr19:15,265,488, T>C on the plus strand (A>G on the coding strand, the complement: BRD4 is on the minus strand). VCF-style: chr19-15265488-T-C. GRCh37 (hg19) VCF-style: chr19-15376299-T-C.
Other names: c.715A>G, p.Met239Val (NM_001330384.2, NM_001379292.1, NM_014299.3 and 1 more transcripts); short protein forms M239V.
Identifiers: ClinVar variation 2788086 (VCV002788086.3), dbSNP rs534374230, ClinGen allele CA404485094.